The following is an entry in ClinVar:

ClinVar aggregate classification (germline): Likely pathogenic (1 of 4 stars; one submission).

Conditions:
Intellectual disability, X-linked 102 (MRXSSB). Also called: Intellectual developmental disorder, X-linked syndromic, Snijders Blok type. Identifiers: Orphanet 457260, MedGen C5393299, MONDO:0010497, OMIM 300958.

Submissions (2):

Victorian Clinical Genetics Services, Murdoch Childrens Research Institute
Classification: Likely pathogenic for Intellectual disability, X-linked 102. Last evaluated: 2024-10-29. Review status: criteria provided, single submitter. Criteria: ACMG Guidelines, 2015. Collection method: clinical testing. Allele origin: germline. Affected: yes.
Comment: This variant is classified as Likely pathogenic. Evidence in support of pathogenic classification: Canonical splice site variant without proven consequence on splicing (no functional evidence available); Variant is absent from gnomAD (v2, v3 and v4); Abnormal splicing is predicted by in silico tool and affected nucleotide is highly conserved. Additional information: This variant is heterozygous; This gene is associated with X-linked dominant disease. Females may or may not be symptomatic (OMIM) - This variant has no previous evidence of pathogenicity; No published segregation evidence has been identified for this variant; No published functional evidence has been identified for this variant; Other splice site variants comparable to the one identified in this case have conflicting previous evidence for pathogenicity. Other non-canonical splice variants have been classified as VUS or likely benign (Clinvar) ; Loss of function is a known mechanism of disease in this gene and is associated with intellectual developmental disorder, X-linked syndromic, Snijders Blok type (MIM#300958); Parental origin of the variant is unresolved.

Dr. Peter K. Rogan Lab, Western University
No classification provided (evidence only). Condition: Thyroid cancer, nonmedullary, 1. Review status: no classification provided. Collection method: in vitro. Allele origin: not applicable. Functional consequence: retained intron. Not counted in ClinVar's aggregate classification.

Literature cited by the submitters: PubMed 30581057 (cited by Victorian Clinical Genetics Services, Murdoch Childrens Research Institute).

NM_001356.5(DDX3X):c.1026-2A>G

Gene: DDX3X (DEAD-box helicase 3 X-linked; plus strand). Cytogenetic location: Xp11.4.
Variant type: single nucleotide variant.
Coding change: c.1026-2A>G on transcript NM_001356.5 (MANE Select); the canonical splice acceptor site of the intron before coding-DNA position 1026, A replaced by G.
Molecular consequence: splice acceptor variant.
Genome position (GRCh38, 1-based): chrX:41,345,178, A>G. VCF-style: chrX-41345178-A-G. GRCh37 (hg19) VCF-style: chrX-41204431-A-G.
Other names: NC_000023.10:g.41204431A>G; c.1026-2A>G (NM_001193416.3); c.978-2A>G (NM_001193417.3); c.468-2A>G (NM_001363819.1).
Identifiers: ClinVar variation 4489225 (VCV004489225.2).
Genomic context (GRCh38, chrX:41,345,178, plus strand): 5'-AAACCATGTTGATTTCTCCTCAAATTCTAAACTCAGGCTTGTTTTTTTTCATGACATGAC[A>G]GATACTTGGTGTTAGATGAAGCTGATCGGATGTTGGATATGGGGTTTGAGCCTCAGATTC-3'